The following is an entry in ClinVar:

ClinVar aggregate classification (germline): Uncertain significance (1 of 4 stars; one submission).

Conditions:
Fanconi anemia (FA). Also called: Fanconi's anemia. Identifiers: Orphanet 84, MedGen C0015625, MeSH D005199, MONDO:0019391.

Allele frequency attached by ClinVar (database versions not stated): gnomAD exomes 0.00001.
gnomAD v4.1: 3 of 1,614,070 alleles (0.00019%); highest among the groups gnomAD compares: South Asian, 0.0011%; no homozygotes.

Submission:

Labcorp Genetics (formerly Invitae), Labcorp
Classification: Uncertain significance for Fanconi anemia. Last evaluated: 2021-12-26. Review status: criteria provided, single submitter. Criteria: Invitae Variant Classification Sherloc (09022015). Collection method: clinical testing. Allele origin: germline.
Comment: In summary, the available evidence is currently insufficient to determine the role of this variant in disease. Therefore, it has been classified as a Variant of Uncertain Significance. Algorithms developed to predict the effect of missense changes on protein structure and function output the following: SIFT: "Tolerated"; PolyPhen-2: "Benign"; Align-GVGD: "Class C0". The glycine amino acid residue is found in multiple mammalian species, which suggests that this missense change does not adversely affect protein function. This variant has not been reported in the literature in individuals affected with FANCI-related conditions. This variant is not present in population databases (gnomAD no frequency). This sequence change replaces glutamic acid, which is acidic and polar, with glycine, which is neutral and non-polar, at codon 11 of the FANCI protein (p.Glu11Gly).

NM_001113378.2(FANCI):c.32A>G (p.Glu11Gly)

Gene: FANCI (FA complementation group I; plus strand). Cytogenetic location: 15q26.1.
Variant type: single nucleotide variant.
Coding change: c.32A>G on transcript NM_001113378.2 (MANE Select); coding-DNA position 32, A replaced by G.
Protein change: p.Glu11Gly; replaces glutamic acid 11 with glycine.
Molecular consequence: missense variant. On other transcripts: 5 prime UTR variant (1).
Genome position (GRCh38, 1-based): chr15:89,247,679, A>G. VCF-style: chr15-89247679-A-G. GRCh37 (hg19) VCF-style: chr15-89790910-A-G.
Other names: c.-243A>G (NM_001376910.1); c.32A>G, p.Glu11Gly (NM_001376911.1, NM_018193.3); short protein forms E11G.
Identifiers: ClinVar variation 1944196 (VCV001944196.5), dbSNP rs1567134442, ClinGen allele CA393736329.